The following is an entry in ClinVar:

ClinVar aggregate classification (germline): Conflicting classifications of pathogenicity. Review status: criteria provided, conflicting classifications (1 of 4 stars). 3 submissions from 3 submitters: Uncertain significance (1); Benign (2). Last evaluated 2025-12-21.

Conditions:
Nephronophthisis. Also called: Juvenile Nephronophthisis. Identifiers: Orphanet 655, MedGen C0687120, MONDO:0019005, HP:0000090.
Jeune thoracic dystrophy. Also called: Jeune syndrome; Infantile thoracic dystrophy; Thoracic pelvic phalangeal dystrophy; Jeune's syndrome; Chondroectodermal dysplasia-like syndrome; Short-rib thoracic dysplasia. Identifiers: Orphanet 474, MedGen C0265275, MONDO:0018770.

Submissions (3):

Labcorp Genetics (formerly Invitae), Labcorp
Classification: Benign for Jeune thoracic dystrophy; Nephronophthisis. Last evaluated: 2025-12-21. Review status: criteria provided, single submitter. Criteria: Invitae Variant Classification Sherloc (09022015). Collection method: clinical testing. Allele origin: germline.

CeGaT Center for Human Genetics Tuebingen
Classification: Uncertain significance. Last evaluated: 2025-11-01. Review status: criteria provided, single submitter. Criteria: CeGaT Center For Human Genetics Tuebingen Variant Classification Criteria Version 2. Collection method: clinical testing. Allele origin: germline. Affected: yes. Observed: 2 variant alleles.
Comment: TTC21B: PM2

GeneDx
Classification: Benign. Last evaluated: 2018-11-25. Review status: criteria provided, single submitter. Criteria: GeneDx Variant Classification Process June 2021. Collection method: clinical testing. Allele origin: germline. Affected: yes.

NM_024753.5(TTC21B):c.21+2TGAGCGGG[5]

Gene: TTC21B (tetratricopeptide repeat domain 21B; minus strand). Cytogenetic location: 2q24.3.
Variant type: Microsatellite.
Coding change: c.21+2TGAGCGGG[5] on transcript NM_024753.5 (MANE Select); five copies in a row of the 8-base unit TGAGCGGG starting at c.21+2; the reference has four copies in a row; one copy, 8 bases duplicated.
Molecular consequence: splice donor variant.
Genome position (GRCh38, 1-based): chr2:165,953,652-165,953,659, CCCGCTCA duplicated on the plus strand (TGAGCGGG on the coding strand, the reverse complement: TTC21B is on the minus strand); duplicating any 8 consecutive bases within chr2:165,953,652-165,953,685 gives the same sequence; the position shown is the placement nearest the transcript's 3' end. VCF-style (leftmost placement, unchanged base first): chr2-165953651-G-GCCCGCTCA. GRCh37 (hg19) VCF-style: chr2-166810161-G-GCCCGCTCA.
Identifiers: ClinVar variation 1235647 (VCV001235647.15), dbSNP rs59477041, ClinGen allele CA1942583.